The following is an entry in ClinVar:

NM_001377540.1(SLMAP):c.703A>T (p.Ser235Cys)

Gene: SLMAP (sarcolemma associated protein; plus strand). Cytogenetic location: 3p14.3.
Variant type: single nucleotide variant.
Coding change: c.703A>T on transcript NM_001377540.1 (MANE Select); coding-DNA position 703, A replaced by T.
Protein change: p.Ser235Cys; replaces serine 235 with cysteine.
Molecular consequence: missense variant. On other transcripts: non-coding transcript variant (1).
Genome position (GRCh38, 1-based): chr3:57,860,714, A>T. VCF-style: chr3-57860714-A-T. GRCh37 (hg19) VCF-style: chr3-57846441-A-T.
Other names: c.703A>T, p.Ser235Cys (NM_001377921.1, NM_001377922.1, NM_001377923.1 and 17 more transcripts); short protein forms S235C.
Identifiers: ClinVar variation 4825838 (VCV004825838.1).

ClinVar aggregate classification (germline): Uncertain significance (1 of 4 stars; one submission).

gnomAD v4.1: 3 of 1,564,232 alleles (0.00019%); highest among the groups gnomAD compares: Non-Finnish European, 0.00026%; no homozygotes.

Submission:

Ambry Genetics
Classification: Uncertain significance. Last evaluated: 2026-03-11. Review status: criteria provided, single submitter. Criteria: Ambry Variant Classification Scheme 2023. Collection method: clinical testing. Allele origin: germline.
Comment: The p.S235C variant (also known as c.703A>T), located in coding exon 8 of the SLMAP gene, results from an A to T substitution at nucleotide position 703. The serine at codon 235 is replaced by cysteine, an amino acid with dissimilar properties. This amino acid position is conserved. In addition, this alteration is predicted to be tolerated by in silico analysis. Based on the available evidence, the clinical significance of this variant remains unclear.